The following is an entry in ClinVar:

ClinVar aggregate classification (germline): Uncertain significance (1 of 4 stars; one submission).

Submission:

Labcorp Genetics (formerly Invitae), Labcorp
Classification: Uncertain significance. Last evaluated: 2022-02-08. Review status: criteria provided, single submitter. Criteria: Invitae Variant Classification Sherloc (09022015). Collection method: clinical testing. Allele origin: germline.
Comment: This variant is not present in population databases (gnomAD no frequency). This sequence change replaces isoleucine, which is neutral and non-polar, with valine, which is neutral and non-polar, at codon 257 of the EYS protein (p.Ile257Val). This variant has not been reported in the literature in individuals affected with EYS-related conditions. In summary, the available evidence is currently insufficient to determine the role of this variant in disease. Therefore, it has been classified as a Variant of Uncertain Significance. Algorithms developed to predict the effect of missense changes on protein structure and function are either unavailable or do not agree on the potential impact of this missense change (SIFT: "Tolerated"; PolyPhen-2: "Possibly Damaging"; Align-GVGD: "Class C0"). ClinVar contains an entry for this variant (Variation ID: 1057599).

NM_001142800.2(EYS):c.769A>G (p.Ile257Val)

Gene: EYS (EGF-like photoreceptor maintenance factor; minus strand). Cytogenetic location: 6q12.
Variant type: single nucleotide variant.
Coding change: c.769A>G on transcript NM_001142800.2 (MANE Select); coding-DNA position 769, A replaced by G.
Protein change: p.Ile257Val; replaces isoleucine 257 with valine.
Molecular consequence: missense variant.
Genome position (GRCh38, 1-based): chr6:65,490,687, T>C on the plus strand (A>G on the coding strand, the complement: EYS is on the minus strand). VCF-style: chr6-65490687-T-C. GRCh37 (hg19) VCF-style: chr6-66200580-T-C.
Other names: c.769A>G, p.Ile257Val (NM_001142801.2, NM_001292009.2, NM_198283.2); short protein forms I257V.
Identifiers: ClinVar variation 1057599 (VCV001057599.9), dbSNP rs2127266533, ClinGen allele CA364789162.
Genomic context (GRCh38, chr6:65,490,687, plus strand): 5'-TATTTGAAGTAATATTGCTGCAGTTTCCATGGAAACAGACATGTGGTTGACACTGGCCAA[T>C]TATTTCTGAGCAATTCTTTCCTATAACAATGAAAAAAAGTTTTTTTTACATTGGATATCA-3'
Protein context (NP_001136272.1, residues 247-267): PFTGKNCSEI[Ile257Val]GQCQPHVCFH